The following is an entry in ClinVar:

NM_001040436.3(YARS2):c.1241G>A (p.Arg414His)

Gene: YARS2 (tyrosyl-tRNA synthetase 2; minus strand). Cytogenetic location: 12p11.21.
Variant type: single nucleotide variant.
Coding change: c.1241G>A on transcript NM_001040436.3 (MANE Select); coding-DNA position 1241, G replaced by A.
Protein change: p.Arg414His; replaces arginine 414 with histidine.
Molecular consequence: missense variant.
Genome position (GRCh38, 1-based): chr12:32,749,970, C>T on the plus strand (G>A on the coding strand, the complement: YARS2 is on the minus strand). VCF-style: chr12-32749970-C-T. GRCh37 (hg19) VCF-style: chr12-32902904-C-T.
Other names: short protein forms R414H.
Identifiers: ClinVar variation 308452 (VCV000308452.8), dbSNP rs762786998, ClinGen allele CA6507954.

ClinVar aggregate classification (germline): Uncertain significance. Review status: criteria provided, multiple submitters, no conflicts (2 of 4 stars). 3 submissions from 3 submitters: Uncertain significance (3). Last evaluated 2025-04-07.

Conditions:
Myopathy, lactic acidosis, and sideroblastic anemia 2 (MLASA2). Identifiers: Orphanet 2598, MedGen C3150802, MONDO:0013307, OMIM 613561.
Inborn genetic diseases. Identifiers: MedGen C0950123, MeSH D030342.

Allele frequency attached by ClinVar (database versions not stated): ExAC 0.00001; gnomAD exomes 0.00002 and 0.00003; gnomAD 0.00003 and 0.00004; TOPMed 0.00003.
gnomAD v4.1: 46 of 1,613,904 alleles (0.0029%); highest among the groups gnomAD compares: African/African-American, 0.0067%; no homozygotes.

Submissions (3):

Ambry Genetics
Classification: Uncertain significance for Inborn genetic diseases. Last evaluated: 2025-04-07. Review status: criteria provided, single submitter. Criteria: Ambry Variant Classification Scheme 2023. Collection method: clinical testing. Allele origin: germline.

Labcorp Genetics (formerly Invitae), Labcorp
Classification: Uncertain significance. Last evaluated: 2023-10-22. Review status: criteria provided, single submitter. Criteria: Invitae Variant Classification Sherloc (09022015). Collection method: clinical testing. Allele origin: germline.
Comment: This sequence change replaces arginine, which is basic and polar, with histidine, which is basic and polar, at codon 414 of the YARS2 protein (p.Arg414His). This variant is present in population databases (rs762786998, gnomAD 0.01%). This variant has not been reported in the literature in individuals affected with YARS2-related conditions. ClinVar contains an entry for this variant (Variation ID: 308452). Advanced modeling of protein sequence and biophysical properties (such as structural, functional, and spatial information, amino acid conservation, physicochemical variation, residue mobility, and thermodynamic stability) performed at Invitae indicates that this missense variant is not expected to disrupt YARS2 protein function. In summary, the available evidence is currently insufficient to determine the role of this variant in disease. Therefore, it has been classified as a Variant of Uncertain Significance.

Illumina Laboratory Services, Illumina
Classification: Uncertain significance for Myopathy, lactic acidosis, and sideroblastic anemia 2. Last evaluated: 2018-01-12. Review status: criteria provided, single submitter. Criteria: ICSL Variant Classification Criteria 13 December 2019. Collection method: clinical testing. Allele origin: germline.